The following is an entry in ClinVar:

ClinVar aggregate classification (germline): Uncertain significance (1 of 4 stars; one submission).

Submission:

Labcorp Genetics (formerly Invitae), Labcorp
Classification: Uncertain significance. Last evaluated: 2023-12-11. Review status: criteria provided, single submitter. Criteria: Invitae Variant Classification Sherloc (09022015). Collection method: clinical testing. Allele origin: germline.
Comment: This variant, c.4090_4113dup, results in the insertion of 8 amino acid(s) of the SON protein (p.Ala1364_Ser1371dup), but otherwise preserves the integrity of the reading frame. This variant is not present in population databases (gnomAD no frequency). This variant has not been reported in the literature in individuals affected with SON-related conditions. ClinVar contains an entry for this variant (Variation ID: 1500884). Experimental studies and prediction algorithms are not available or were not evaluated, and the functional significance of this variant is currently unknown. In summary, the available evidence is currently insufficient to determine the role of this variant in disease. Therefore, it has been classified as a Variant of Uncertain Significance.

NM_138927.4(SON):c.4090_4113dup (p.Ala1364_Ser1371dup)

Gene: SON (SON DNA and RNA binding protein; plus strand). Cytogenetic location: 21q22.11.
Variant type: Duplication.
Coding change: c.4090_4113dup on transcript NM_138927.4 (MANE Select); coding-DNA positions 4090 to 4113, 24 bases duplicated (GCTGTGACCGTCCTGGAGTCTTCG).
Protein change: p.Ala1364_Ser1371dup.
Molecular consequence: inframe insertion. On other transcripts: non-coding transcript variant (1), intron variant (1).
Genome position (GRCh38, 1-based): chr21:33,553,321-33,553,344, GCTGTGACCGTCCTGGAGTCTTCG duplicated; duplicating any 24 consecutive bases within chr21:33,553,306-33,553,344 gives the same sequence; the c. name uses the placement nearest the transcript's 3' end. VCF-style (leftmost placement, unchanged base first): chr21-33553305-T-TGTCCTGGAGTCTTCGGCTGTGACC. GRCh37 (hg19) VCF-style: chr21-34925611-T-TGTCCTGGAGTCTTCGGCTGTGACC.
Other names: c.4090_4113dup, p.Ala1364_Ser1371dup (NM_001291411.2, NM_032195.3); c.245-3835_245-3812dup (NM_001291412.3).
Identifiers: ClinVar variation 1500884 (VCV001500884.6), dbSNP rs779275354, ClinGen allele CA1021933337.
Genomic context (GRCh38, chr21:33,553,305, plus strand): 5'-GCTGGCAGAGAGCATTCTGGAGCCGCCAGCCATGGCTGCCCCAGAGTCTTCAGCTATGGC[T>TGTCCTGGAGTCTTCGGCTGTGACC]GTCCTGGAGTCTTCGGCTGTGACCGTCCTGGAGTCTTCGACTGTGACTGTCCTGGAGTCT-3'